The following is an entry in ClinVar:

NM_206937.2(LIG4):c.2698A>C (p.Lys900Gln)

Gene: LIG4 (DNA ligase 4; minus strand). Cytogenetic location: 13q33.3.
Variant type: single nucleotide variant.
Coding change: c.2698A>C on transcript NM_206937.2 (MANE Select); coding-DNA position 2698, A replaced by C.
Protein change: p.Lys900Gln; replaces lysine 900 with glutamine.
Molecular consequence: missense variant.
Genome position (GRCh38, 1-based): chr13:108,208,571, T>G on the plus strand (A>C on the coding strand, the complement: LIG4 is on the minus strand). VCF-style: chr13-108208571-T-G. GRCh37 (hg19) VCF-style: chr13-108860919-T-G.
Other names: c.2698A>C, p.Lys900Gln (NM_001098268.2, NM_001352598.2, NM_001352599.2 and 6 more transcripts); c.2497A>C, p.Lys833Gln (NM_001330595.2); c.2734A>C, p.Lys912Gln (NM_001352604.2); short protein forms K833Q, K900Q, K912Q.
Identifiers: ClinVar variation 2176012 (VCV002176012.2), dbSNP rs368132126, ClinGen allele CA7043440.
Genomic context (GRCh38, chr13:108,208,571, plus strand): 5'-TTCCTCACTAGGAAACCTAGCTTTAAATCAAATACTGGTTTTCTTCTTGTAATTCACACT[T>G]GTCTATTGAATCAGTTACCCAACTTTCTTTTAGGATTTTAAACTTTCTCTTAAAAGTTCT-3'
Protein context (NP_996820.1, residues 890-910): KESWVTDSID[Lys900Gln]CELQEENQYL

ClinVar aggregate classification (germline): Uncertain significance (1 of 4 stars; one submission).

Conditions:
DNA ligase IV deficiency. Identifiers: Orphanet 99812, MedGen C1847827, MONDO:0011686, OMIM 606593.

Allele frequency attached by ClinVar (database versions not stated): gnomAD 0.00001; 1000 Genomes Project 0.00020; 1000 Genomes Project 30x 0.00047.

Submission:

Labcorp Genetics (formerly Invitae), Labcorp
Classification: Uncertain significance for DNA ligase IV deficiency. Last evaluated: 2025-12-08. Review status: criteria provided, single submitter. Criteria: Invitae Variant Classification Sherloc (09022015). Collection method: clinical testing. Allele origin: germline.
Comment: This sequence change replaces lysine, which is basic and polar, with glutamine, which is neutral and polar, at codon 900 of the LIG4 protein (p.Lys900Gln). This variant is present in population databases (rs368132126, gnomAD 0.02%). This variant has not been reported in the literature in individuals affected with LIG4-related conditions. ClinVar contains an entry for this variant (Variation ID: 2176012). Invitae Evidence Modeling of protein sequence and biophysical properties (such as structural, functional, and spatial information, amino acid conservation, physicochemical variation, residue mobility, and thermodynamic stability) has been performed for this missense variant. However, the output from this modeling did not meet the statistical confidence thresholds required to predict the impact of this variant on LIG4 protein function. In summary, the available evidence is currently insufficient to determine the role of this variant in disease. Therefore, it has been classified as a Variant of Uncertain Significance.